The following is an entry in ClinVar:

ClinVar aggregate classification (germline): Benign/Likely benign. Review status: criteria provided, multiple submitters, no conflicts (2 of 4 stars). 3 submissions from 3 submitters: Benign (1); Likely benign (1). 1 of the submissions does not count toward it. Last evaluated 2025-01-01.

Conditions:
DLL1-related disorder. Also called: DLL1-related condition.

Allele frequency attached by ClinVar (database versions not stated): TOPMed 0.00004; ESP Exome Variant Server 0.00008; gnomAD 0.00009; gnomAD exomes 0.00014; 1000 Genomes Project 30x 0.00016; 1000 Genomes Project 0.00020; ExAC 0.00036.
gnomAD v4.1: 218 of 1,604,292 alleles (0.014%); highest among the groups gnomAD compares: South Asian, 0.18%; 2 homozygotes.

Submissions (3):

CeGaT Center for Human Genetics Tuebingen
Classification: Likely benign. Last evaluated: 2025-01-01. Review status: criteria provided, single submitter. Criteria: CeGaT Center For Human Genetics Tuebingen Variant Classification Criteria Version 2. Collection method: clinical testing. Allele origin: germline. Affected: yes. Observed: 2 variant alleles.
Comment: DLL1: BP4, BP7

Labcorp Genetics (formerly Invitae), Labcorp
Classification: Benign. Last evaluated: 2024-12-17. Review status: criteria provided, single submitter. Criteria: Invitae Variant Classification Sherloc (09022015). Collection method: clinical testing. Allele origin: germline.

PreventionGenetics, part of Exact Sciences
Classification: Likely benign for DLL1-related condition. Last evaluated: 2020-03-03. Review status: no assertion criteria provided. Collection method: clinical testing. Allele origin: germline. Not counted in ClinVar's aggregate classification.
Comment: This variant is classified as likely benign based on ACMG/AMP sequence variant interpretation guidelines (Richards et al. 2015 PMID: 25741868, with internal and published modifications).

NM_005618.4(DLL1):c.1641C>T (p.Ala547=)

Gene: DLL1 (delta like canonical Notch ligand 1; minus strand). Cytogenetic location: 6q27.
Variant type: single nucleotide variant.
Coding change: c.1641C>T on transcript NM_005618.4 (MANE Select); coding-DNA position 1641, C replaced by T.
Protein change: p.Ala547=; no amino-acid change (alanine 547 retained).
Molecular consequence: synonymous variant.
Genome position (GRCh38, 1-based): chr6:170,283,638, G>A on the plus strand (C>T on the coding strand, the complement: DLL1 is on the minus strand). VCF-style: chr6-170283638-G-A. GRCh37 (hg19) VCF-style: chr6-170592726-G-A.
Other names: c.1641C>T (NM_005618.3).
Identifiers: ClinVar variation 2190174 (VCV002190174.28), dbSNP rs371829749, ClinGen allele CA4106774.